The following is an entry in ClinVar:

NM_030665.4(RAI1):c.712A>C (p.Ser238Arg)

Gene: RAI1 (retinoic acid induced 1; plus strand). Cytogenetic location: 17p11.2.
Variant type: single nucleotide variant.
Coding change: c.712A>C on transcript NM_030665.4 (MANE Select); coding-DNA position 712, A replaced by C.
Protein change: p.Ser238Arg; replaces serine 238 with arginine.
Molecular consequence: missense variant.
Genome position (GRCh38, 1-based): chr17:17,793,660, A>C. VCF-style: chr17-17793660-A-C. GRCh37 (hg19) VCF-style: chr17-17696974-A-C.
Other names: short protein forms S238R.
Identifiers: ClinVar variation 3643689 (VCV003643689.2).

ClinVar aggregate classification (germline): Uncertain significance (1 of 4 stars; one submission).

Submission:

Labcorp Genetics (formerly Invitae), Labcorp
Classification: Uncertain significance. Last evaluated: 2024-02-29. Review status: criteria provided, single submitter. Criteria: Invitae Variant Classification Sherloc (09022015). Collection method: clinical testing. Allele origin: germline.
Comment: This sequence change replaces serine, which is neutral and polar, with arginine, which is basic and polar, at codon 238 of the RAI1 protein (p.Ser238Arg). This variant is not present in population databases (gnomAD no frequency). This variant has not been reported in the literature in individuals affected with RAI1-related conditions. Advanced modeling of protein sequence and biophysical properties (such as structural, functional, and spatial information, amino acid conservation, physicochemical variation, residue mobility, and thermodynamic stability) performed at Invitae indicates that this missense variant is expected to disrupt RAI1 protein function with a positive predictive value of 80%. In summary, the available evidence is currently insufficient to determine the role of this variant in disease. Therefore, it has been classified as a Variant of Uncertain Significance.